The following is an entry in ClinVar:

ClinVar aggregate classification (germline): Pathogenic (1 of 4 stars; one submission).

Submission:

GeneDx
Classification: Pathogenic. Last evaluated: 2025-02-25. Review status: criteria provided, single submitter. Criteria: GeneDx Variant Classification Process June 2021. Collection method: clinical testing. Allele origin: germline. Affected: yes.
Comment: Not observed at significant frequency in large population cohorts (gnomAD); Missense variants in this gene are a common cause of disease and they are underrepresented in the general population; Has not been previously published as pathogenic or benign to our knowledge

NM_001614.5(ACTG1):c.77C>G (p.Ala26Gly)

Genes: ACTG1 (actin gamma 1; minus strand), LOC130061940 (ATAC-STARR-seq lymphoblastoid active region 12964; plus strand). Cytogenetic location: 17q25.3.
Variant type: single nucleotide variant.
Coding change: c.77C>G on transcript NM_001614.5 (MANE Select); coding-DNA position 77, C replaced by G.
Protein change: p.Ala26Gly; replaces alanine 26 with glycine.
Molecular consequence: missense variant. On other transcripts: non-coding transcript variant (1).
Genome position (GRCh38, 1-based): chr17:81,512,278, G>C on the plus strand (C>G on the coding strand, the complement: ACTG1 is on the minus strand). VCF-style: chr17-81512278-G-C. GRCh37 (hg19) VCF-style: chr17-79479304-G-C.
Other names: c.77C>G, p.Ala26Gly (NM_001199954.3); short protein forms A26G.
Identifiers: ClinVar variation 4076592 (VCV004076592.1).